The following is an entry in ClinVar:

NM_001365536.1(SCN9A):c.4799A>G (p.Glu1600Gly)

Genes: SCN9A (sodium voltage-gated channel alpha subunit 9; minus strand), SCN1A-AS1 (SCN1A and SCN9A antisense RNA 1; plus strand). Cytogenetic location: 2q24.3.
Variant type: single nucleotide variant.
Coding change: c.4799A>G on transcript NM_001365536.1 (MANE Select); coding-DNA position 4799, A replaced by G.
Protein change: p.Glu1600Gly; replaces glutamic acid 1600 with glycine.
Molecular consequence: missense variant.
Genome position (GRCh38, 1-based): chr2:166,199,840, T>C on the plus strand (A>G on the coding strand, the complement: SCN9A is on the minus strand). VCF-style: chr2-166199840-T-C. GRCh37 (hg19) VCF-style: chr2-167056350-T-C.
Other names: c.4766A>G, p.Glu1589Gly (NM_002977.4); short protein forms E1600G, E1589G.
Identifiers: ClinVar variation 665468 (VCV000665468.7), dbSNP rs375946140, ClinGen allele CA59784652.

ClinVar aggregate classification (germline): Uncertain significance (1 of 4 stars; one submission).

Conditions:
Generalized epilepsy with febrile seizures plus, type 7 (GEFSP7). Also called: GEFS+, TYPE 7. Identifiers: Orphanet 36387, MedGen C2751778, MONDO:0013470, OMIM 613863.
Neuropathy, hereditary sensory and autonomic, type 2A (HSAN2A). Also called: WNK1-Related HSAN2 (HSAN2A); ACROOSTEOLYSIS, GIACCAI TYPE; ACROOSTEOLYSIS, NEUROGENIC; NEUROPATHY, HEREDITARY SENSORY, TYPE IIA; NEUROPATHY, PROGRESSIVE SENSORY, OF CHILDREN; HSAN IIA. Identifiers: Orphanet 970, MedGen C2752089, MONDO:0024309, OMIM 201300.

Allele frequency attached by ClinVar (database versions not stated): gnomAD exomes 0.00001; gnomAD 0.00002; TOPMed 0.00002; ESP Exome Variant Server 0.00015.
gnomAD v4.1: 13 of 1,613,756 alleles (0.00081%); highest among the groups gnomAD compares: African/African-American, 0.0013%; no homozygotes.

Submission:

Labcorp Genetics (formerly Invitae), Labcorp
Classification: Uncertain significance for Neuropathy, hereditary sensory and autonomic, type 2A; Generalized epilepsy with febrile seizures plus, type 7. Last evaluated: 2025-09-03. Review status: criteria provided, single submitter. Criteria: Invitae Variant Classification Sherloc (09022015). Collection method: clinical testing. Allele origin: germline.
Comment: This sequence change replaces glutamic acid, which is acidic and polar, with glycine, which is neutral and non-polar, at codon 1589 of the SCN9A protein (p.Glu1589Gly). This variant is not present in population databases (gnomAD no frequency). This variant has not been reported in the literature in individuals affected with SCN9A-related conditions. ClinVar contains an entry for this variant (Variation ID: 665468). Invitae Evidence Modeling of protein sequence and biophysical properties (such as structural, functional, and spatial information, amino acid conservation, physicochemical variation, residue mobility, and thermodynamic stability) indicates that this missense variant is not expected to disrupt SCN9A protein function with a negative predictive value of 95%. In summary, the available evidence is currently insufficient to determine the role of this variant in disease. Therefore, it has been classified as a Variant of Uncertain Significance.